The following is an entry in ClinVar:

NM_006231.4(POLE):c.6302C>T (p.Ala2101Val)

Gene: POLE (DNA polymerase epsilon, catalytic subunit; minus strand). Cytogenetic location: 12q24.33.
Variant type: single nucleotide variant.
Coding change: c.6302C>T on transcript NM_006231.4 (MANE Select); coding-DNA position 6302, C replaced by T.
Protein change: p.Ala2101Val; replaces alanine 2101 with valine.
Molecular consequence: missense variant.
Genome position (GRCh38, 1-based): chr12:132,632,343, G>A on the plus strand (C>T on the coding strand, the complement: POLE is on the minus strand). VCF-style: chr12-132632343-G-A. GRCh37 (hg19) VCF-style: chr12-133208929-G-A.
Other names: c.6302C>T (NM_006231.2); short protein forms A2101V.
Identifiers: ClinVar variation 1422183 (VCV001422183.9), dbSNP rs2138459559, ClinGen allele CA387369285.

ClinVar aggregate classification (germline): Uncertain significance. Review status: criteria provided, multiple submitters, no conflicts (2 of 4 stars). 2 submissions from 2 submitters: Uncertain significance (2). Last evaluated 2025-10-01.

Conditions:
Hereditary cancer-predisposing syndrome. Also called: Neoplastic Syndromes, Hereditary; Hereditary Cancer Syndrome; Hereditary neoplastic syndrome; Tumor predisposition. Identifiers: Orphanet 140162, MedGen C0027672, MeSH D009386, MONDO:0015356.

gnomAD v4.1: 1 of 1,614,150 alleles (0.000062%); highest among the groups gnomAD compares: Non-Finnish European, 0.000085%; no homozygotes.

Submissions (2):

Labcorp Genetics (formerly Invitae), Labcorp
Classification: Uncertain significance. Last evaluated: 2025-10-01. Review status: criteria provided, single submitter. Criteria: Invitae Variant Classification Sherloc (09022015). Collection method: clinical testing. Allele origin: germline.
Comment: This sequence change replaces alanine, which is neutral and non-polar, with valine, which is neutral and non-polar, at codon 2101 of the POLE protein (p.Ala2101Val). This variant is not present in population databases (gnomAD no frequency). This variant has not been reported in the literature in individuals affected with POLE-related conditions. ClinVar contains an entry for this variant (Variation ID: 1422183). Invitae Evidence Modeling of protein sequence and biophysical properties (such as structural, functional, and spatial information, amino acid conservation, physicochemical variation, residue mobility, and thermodynamic stability) indicates that this missense variant is not expected to disrupt POLE protein function with a negative predictive value of 80%. In summary, the available evidence is currently insufficient to determine the role of this variant in disease. Therefore, it has been classified as a Variant of Uncertain Significance.

Ambry Genetics
Classification: Uncertain significance for Hereditary cancer-predisposing syndrome. Last evaluated: 2024-08-26. Review status: criteria provided, single submitter. Criteria: Ambry Variant Classification Scheme 2023. Collection method: clinical testing. Allele origin: germline.
Comment: The p.A2101V variant (also known as c.6302C>T), located in coding exon 45 of the POLE gene, results from a C to T substitution at nucleotide position 6302. The alanine at codon 2101 is replaced by valine, an amino acid with similar properties. This amino acid position is conserved. In addition, the in silico prediction for this alteration is inconclusive. Based on the available evidence, the clinical significance of this variant remains unclear.